The following is an entry in ClinVar:

ClinVar aggregate classification (germline): Uncertain significance (1 of 4 stars; one submission).

Submission:

CeGaT Center for Human Genetics Tuebingen
Classification: Uncertain significance. Last evaluated: 2025-10-01. Review status: criteria provided, single submitter. Criteria: CeGaT Center For Human Genetics Tuebingen Variant Classification Criteria Version 2. Collection method: clinical testing. Allele origin: germline. Affected: yes. Observed: 1 variant allele.
Comment: RYR2: PM2:Supporting, PP3

NM_001035.3(RYR2):c.27C>A (p.Asp9Glu)

Gene: RYR2 (ryanodine receptor 2; plus strand). Cytogenetic location: 1q43.
Variant type: single nucleotide variant.
Coding change: c.27C>A on transcript NM_001035.3 (MANE Select); coding-DNA position 27, C replaced by A.
Protein change: p.Asp9Glu; replaces aspartic acid 9 with glutamic acid.
Molecular consequence: missense variant.
Genome position (GRCh38, 1-based): chr1:237,042,548, C>A. VCF-style: chr1-237042548-C-A. GRCh37 (hg19) VCF-style: chr1-237205848-C-A.
Other names: short protein forms D9E.
Identifiers: ClinVar variation 4534774 (VCV004534774.6).
Genomic context (GRCh38, chr1:237,042,548, plus strand): 5'-TCGGGAGCCGGCCCCGGCGAGGAGGCGCGGAACCATGGCCGATGGGGGCGAGGGCGAAGA[C>A]GAGATCCAGTTCCTGCGAACTGTAAGCGCCGTGCGTCGCGTGTGCTGTCAGGGGAAGGGG-3'
Protein context (NP_001026.2, residues 1-19): MADGGEGE[Asp9Glu]EIQFLRTDDE